The following is an entry in ClinVar:

NM_000252.3(MTM1):c.-10-152=

Gene: MTM1 (myotubularin 1; plus strand). Cytogenetic location: Xq28.
Variant type: single nucleotide variant.
Coding change: c.-10-152= on transcript NM_000252.3 (MANE Select); 152 bases into the intron before 10 bases upstream of the start codon, no change from the reference sequence.
Molecular consequence: intron variant.
Genome position: GRCh38 VCF-style: chrX-150592453-G-G. GRCh37 (hg19) VCF-style: chrX-149760915-C-G.
Other names: c.-10-152= (NM_001376908.1, NM_001376906.1, NM_001376907.1).
Identifiers: ClinVar variation 679960 (VCV000679960.1), dbSNP rs182630.

ClinVar aggregate classification (germline): Benign (1 of 4 stars; one submission).

Allele frequency attached by ClinVar (database versions not stated): 1000 Genomes Project 30x 0.02289; TOPMed 0.02507.

Submission:

GeneDx
Classification: Benign. Last evaluated: 2018-06-16. Review status: criteria provided, single submitter. Criteria: GeneDx Variant Classification (06012015). Collection method: clinical testing. Allele origin: germline. Affected: yes.
Comment: This variant is considered likely benign or benign based on one or more of the following criteria: it is a conservative change, it occurs at a poorly conserved position in the protein, it is predicted to be benign by multiple in silico algorithms, and/or has population frequency not consistent with disease.